The following is an entry in ClinVar:

NM_001009944.3(PKD1):c.7242_7265del (p.Leu2415_Thr2422del)

Gene: PKD1 (polycystin 1, transient receptor potential channel interacting; minus strand). Cytogenetic location: 16p13.3.
Variant type: Deletion.
Coding change: c.7242_7265del on transcript NM_001009944.3 (MANE Select); coding-DNA positions 7242 to 7265, 24 bases deleted (GCTGGTGCTGGATGAGACCACCAC).
Protein change: p.Leu2415_Thr2422del.
Molecular consequence: inframe deletion. On other transcripts: inframe indel (1).
Genome position (GRCh38, 1-based): chr16:2,106,622-2,106,645, GTGGTGGTCTCATCCAGCACCAGC deleted on the plus strand (GCTGGTGCTGGATGAGACCACCAC on the coding strand, the reverse complement: PKD1 is on the minus strand); deleting any 24 consecutive bases within chr16:2,106,622-2,106,647 gives the same sequence; the c. name uses the placement nearest the transcript's 3' end. VCF-style (leftmost placement, unchanged base first): chr16-2106621-TGTGGTGGTCTCATCCAGCACCAGC-T. GRCh37 (hg19) VCF-style: chr16-2156622-TGTGGTGGTCTCATCCAGCACCAGC-T.
Other names: c.7242_7265del24 (NM_001009944.2); c.7242_7265del, p.Leu2415_Thr2422del (NM_000296.4).
Identifiers: ClinVar variation 4990845 (VCV004990845.1).

ClinVar aggregate classification (germline): Likely pathogenic (1 of 4 stars; one submission).

Conditions:
PKD1-related disorder. Also called: PKD1-related condition.

Submission:

PreventionGenetics, part of Exact Sciences
Classification: Likely pathogenic for PKD1-related condition. Last evaluated: 2025-11-04. Review status: criteria provided, single submitter. Criteria: ACMG Guidelines, 2015. Collection method: clinical testing. Allele origin: germline.
Comment: The PKD1 c.7242_7265del24 variant is predicted to result in an in-frame deletion (p.Leu2415_Thr2422del). To our knowledge, this variant has not been reported in the literature or in a large population database (gnomAD), indicating this variant is rare. However, a smaller in-frame deletion within this deletion interval, defined as c.7263_7265delCAC (p.Thr2422del), has been reported to segregate with autosomal dominant polycystic kidney disease (ADPKD) in a family (reported as c.7472del3 or c.7472-74del, McCluskey et al. 2002. PubMed ID: 11857740); and this variant was previously found at PreventionGenetics multiple times and is classified as likely pathogenic (internal data). Of note, in-frame small deletions in PKD1 have been widely reported to be pathogenic for ADPKD. The c.7242_7265del24 (p.Leu2415_Thr2422del) variant is interpreted as likely pathogenic.